The following is an entry in ClinVar:

NM_005765.3(ATP6AP2):c.967A>G (p.Ile323Val)

Gene: ATP6AP2 (ATPase H+ transporting accessory protein 2; plus strand). Cytogenetic location: Xp11.4.
Variant type: single nucleotide variant.
Coding change: c.967A>G on transcript NM_005765.3 (MANE Select); coding-DNA position 967, A replaced by G.
Protein change: p.Ile323Val; replaces isoleucine 323 with valine.
Molecular consequence: missense variant.
Genome position (GRCh38, 1-based): chrX:40,605,669, A>G. VCF-style: chrX-40605669-A-G. GRCh37 (hg19) VCF-style: chrX-40464921-A-G.
Other names: short protein forms I323V.
Identifiers: ClinVar variation 384876 (VCV000384876.2), dbSNP rs1057522068, ClinGen allele CA16609185.

ClinVar aggregate classification (germline): Uncertain significance (1 of 4 stars; one submission).

Allele frequency attached by ClinVar (database versions not stated): gnomAD exomes below 0.00001; TOPMed 0.00001.
gnomAD v4.1: 3 of 1,208,102 alleles (0.00025%); highest among the groups gnomAD compares: African/African-American, 0.0017%; no homozygotes.

Submission:

GeneDx
Classification: Uncertain significance. Last evaluated: 2017-12-11. Review status: criteria provided, single submitter. Criteria: GeneDx Variant Classification (06012015). Collection method: clinical testing. Allele origin: germline. Affected: yes.
Comment: A variant of uncertain significance has been identified in the ATP6AP2 gene. The I323V variant has not been published as a pathogenic variant, nor has it been reported as a benign variant to our knowledge. It was not observed in approximately 6,500 individuals of European and African American ancestry in the NHLBI Exome Sequencing Project, indicating it is not a common benign variant in these populations. The I323V variant is a conservative amino acid substitution, which is not likely to impact secondary protein structure as these residues share similar properties. This substitution occurs at a position that is not conserved and in silico analysis predicts this variant likely does not alter the protein structure/function. However, missense variants in nearby residues have not been reported in Human Gene Mutation Database in association with ATP6AP2-related disorders (Stenson et al., 2014). Therefore, based on the currently available information, it is unclear whether this variant is a pathogenic variant or a rare benign variant.